The following is an entry in ClinVar:

ClinVar aggregate classification (germline): Benign. Review status: criteria provided, multiple submitters, no conflicts (2 of 4 stars). 6 submissions from 6 submitters: Benign (6). Last evaluated 2024-11-27.

Conditions:
Primary ciliary dyskinesia 5. Also called: CILIARY DYSKINESIA, PRIMARY, 5, WITHOUT SITUS INVERSUS. Identifiers: Orphanet 244, MedGen C1837615, MONDO:0012088, OMIM 608647.

Allele frequency attached by ClinVar (database versions not stated): 1000 Genomes Project 30x 0.44535; 1000 Genomes Project 0.45387; TOPMed 0.54151; gnomAD 0.57069 and 0.57263; gnomAD exomes 0.61187 and 0.70677; ExAC 0.61642.
gnomAD v4.1: 1,116,873 of 1,612,490 alleles (69%); highest among the groups gnomAD compares: Non-Finnish European, 76%; 402,741 homozygotes.

Submissions (6):

Blueprint Genetics
Classification: Benign. Last evaluated: 2024-11-27. Review status: criteria provided, single submitter. Criteria: ACMG Guidelines, 2015. Collection method: clinical testing. Allele origin: germline.

GeneDx
Classification: Benign. Last evaluated: 2022-01-20. Review status: criteria provided, single submitter. Criteria: GeneDx Variant Classification Process June 2021. Collection method: clinical testing. Allele origin: germline. Affected: yes.

Genome-Nilou Lab
Classification: Benign for Primary ciliary dyskinesia 5. Last evaluated: 2021-08-10. Review status: criteria provided, single submitter. Criteria: ACMG Guidelines, 2015. Collection method: clinical testing. Allele origin: germline. Affected: no.

Mendelics
Classification: Benign for Primary ciliary dyskinesia 5. Last evaluated: 2019-05-28. Review status: criteria provided, single submitter. Criteria: Mendelics Assertion Criteria 2017. Collection method: clinical testing. Allele origin: unknown.

Laboratory for Molecular Medicine, Mass General Brigham Personalized Medicine
Classification: Benign. Last evaluated: 2016-03-28. Review status: criteria provided, single submitter. Criteria: LMM Criteria. Collection method: clinical testing. Allele origin: germline.
Comment: Variant identified in a genome or exome case(s) and assessed due to predicted null impact of the variant or pathogenic assertions in the literature or databases. Disclaimer: This variant has not undergone full assessment. The following are preliminary notes: Frequency

Breakthrough Genomics
Classification: Benign. Review status: criteria provided, single submitter. Criteria: ACMG Guidelines, 2015. Collection method: not provided. Allele origin: germline. Inheritance: Autosomal recessive inheritance. Affected: yes.

NM_001270974.2(HYDIN):c.6917A>G (p.Glu2306Gly)

Gene: HYDIN (HYDIN axonemal central pair apparatus protein; minus strand). Cytogenetic location: 16q22.2.
Variant type: single nucleotide variant.
Coding change: c.6917A>G on transcript NM_001270974.2 (MANE Select); coding-DNA position 6917, A replaced by G.
Protein change: p.Glu2306Gly; replaces glutamic acid 2306 with glycine.
Molecular consequence: missense variant.
Genome position (GRCh38, 1-based): chr16:70,938,692, T>C on the plus strand (A>G on the coding strand, the complement: HYDIN is on the minus strand). VCF-style: chr16-70938692-T-C. GRCh37 (hg19) VCF-style: chr16-70972595-T-C.
Other names: short protein forms E2306G.
Identifiers: ClinVar variation 402955 (VCV000402955.11), dbSNP rs2502726, ClinGen allele CA8150096.